The following is an entry in ClinVar:

NM_017780.4(CHD7):c.6331C>T (p.Arg2111Trp)

Gene: CHD7 (chromodomain helicase DNA binding protein 7; plus strand). Cytogenetic location: 8q12.2.
Variant type: single nucleotide variant.
Coding change: c.6331C>T on transcript NM_017780.4 (MANE Select); coding-DNA position 6331, C replaced by T.
Protein change: p.Arg2111Trp; replaces arginine 2111 with tryptophan.
Molecular consequence: missense variant. On other transcripts: intron variant (1).
Genome position (GRCh38, 1-based): chr8:60,853,056, C>T. VCF-style: chr8-60853056-C-T. GRCh37 (hg19) VCF-style: chr8-61765615-C-T.
Other names: c.1717-9173C>T (NM_001316690.1); short protein forms R2111W.
Identifiers: ClinVar variation 2413047 (VCV002413047.8), dbSNP rs2488042126, ClinGen allele CA371324814.
Genomic context (GRCh38, chr8:60,853,056, plus strand): 5'-TGGGAGTGTGGACGGCATGACCGAGACTTGCTGGTTGGTGCTGCTAAACACGGGGTCAGT[C>T]GGACGGATTATCACATCCTCAATGACCCTGAGTTATCCTTCTTGGATGCACATAAAAACT-3'
Protein context (NP_060250.2, residues 2101-2121): LVGAAKHGVS[Arg2111Trp]TDYHILNDPE

ClinVar aggregate classification (germline): Uncertain significance. Review status: criteria provided, multiple submitters, no conflicts (2 of 4 stars). 4 submissions from 4 submitters: Uncertain significance (4). Last evaluated 2025-10-15.

Conditions:
Monogenic hearing loss.
CHARGE syndrome (CHARGE). Also called: Hittner Hirsch Kreh syndrome; CHARGE ASSOCIATION--COLOBOMA, HEART ANOMALY, CHOANAL ATRESIA, RETARDATION, GENITAL AND EAR ANOMALIES; Coloboma, heart anomaly, choanal atresia, retardation, genital and ear anomalies; CHARGE association; Hall-Hittner syndrome. Identifiers: Orphanet 138, MedGen C0265354, MONDO:0008965.
Hypogonadotropic hypogonadism 5 with or without anosmia (KAL5). Also called: HYPOGONADOTROPIC HYPOGONADISM 5 WITH ANOSMIA; HYPOGONADOTROPHIC HYPOGONADISM 5 WITHOUT ANOSMIA; CHD7-Related GnRH Deficiency (Kallmann Syndrome 5). Identifiers: Orphanet 478, MedGen C3552553, MONDO:0012880, OMIM 612370. Disease mechanism: loss of function.

Allele frequency attached by ClinVar (database versions not stated): gnomAD exomes below 0.00001.
gnomAD v4.1: 2 of 1,613,912 alleles (0.00012%); highest among the groups gnomAD compares: Non-Finnish European, 0.00017%; no homozygotes.

Submissions (4):

Genetics Laboratory, Great Ormond Street Hospital NHS Foundation Trust, North Thames Genomic Laboratory Hub
Classification: Uncertain significance for Monogenic hearing loss. Last evaluated: 2025-10-15. Review status: criteria provided, single submitter. Criteria: ACGS Best Practice Guidelines for Variant Classification in Rare Disease 2024 v1.2. Collection method: clinical testing. Allele origin: germline. Affected: yes.
Comment: PM2_moderate, PP3_supporting, PS2_moderate

Labcorp Genetics (formerly Invitae), Labcorp
Classification: Uncertain significance for CHARGE syndrome. Last evaluated: 2024-11-18. Review status: criteria provided, single submitter. Criteria: Invitae Variant Classification Sherloc (09022015). Collection method: clinical testing. Allele origin: germline.
Comment: This sequence change replaces arginine, which is basic and polar, with tryptophan, which is neutral and slightly polar, at codon 2111 of the CHD7 protein (p.Arg2111Trp). This variant is not present in population databases (gnomAD no frequency). This missense change has been observed in individual(s) with CHD7-related conditions (PMID: 28991257, 31941532, 32368696). ClinVar contains an entry for this variant (Variation ID: 2413047). Invitae Evidence Modeling of protein sequence and biophysical properties (such as structural, functional, and spatial information, amino acid conservation, physicochemical variation, residue mobility, and thermodynamic stability) indicates that this missense variant is expected to disrupt CHD7 protein function with a positive predictive value of 95%. In summary, the available evidence is currently insufficient to determine the role of this variant in disease. Therefore, it has been classified as a Variant of Uncertain Significance.

GeneDx
Classification: Uncertain significance. Last evaluated: 2022-07-25. Review status: criteria provided, single submitter. Criteria: GeneDx Variant Classification Process June 2021. Collection method: clinical testing. Allele origin: germline. Affected: yes.
Comment: In silico analysis supports that this missense variant has a deleterious effect on protein structure/function; Not observed at significant frequency in large population cohorts (gnomAD); This variant is associated with the following publications: (PMID: 32368696, 28991257)

Juno Genomics, Hangzhou Juno Genomics, Inc
Classification: Uncertain significance for CHD7-related CHARGE syndrome; Hypogonadotropic hypogonadism 5 with or without anosmia. Review status: criteria provided, single submitter. Criteria: ACMG Guidelines, 2015. Collection method: clinical testing. Allele origin: germline. Affected: yes.
Comment: Absent from controls (or at extremely low frequency if recessive) in Genome Aggregation Database, Exome Sequencing Project, 1000 Genomes Project, or Exome Aggregation Consortium.;Multiple lines of computational evidence support a deleterious effect on the gene or gene product (conservation, evolutionary, splicing impact, etc).;Missense variant in a gene that has a low rate of benign missense variation and where missense variants are a common mechanism of disease.;The prevalence of the variant in affected individuals is significantly increased compared to the prevalence in controls.;De novo (both maternity and paternity confirmed) in a patient with the disease and no family history.

Literature cited by the submitters: PubMed 28991257 (cited by Labcorp Genetics (formerly Invitae), Labcorp); PubMed 31941532 (cited by Labcorp Genetics (formerly Invitae), Labcorp); PubMed 32368696 (cited by Labcorp Genetics (formerly Invitae), Labcorp).